The following is an entry in ClinVar:

ClinVar aggregate classification (germline): Uncertain significance (1 of 4 stars; one submission).

Submission:

Labcorp Genetics (formerly Invitae), Labcorp
Classification: Uncertain significance. Last evaluated: 2022-08-20. Review status: criteria provided, single submitter. Criteria: Invitae Variant Classification Sherloc (09022015). Collection method: clinical testing. Allele origin: germline.
Comment: Algorithms developed to predict the effect of missense changes on protein structure and function are either unavailable or do not agree on the potential impact of this missense change (SIFT: "Tolerated"; PolyPhen-2: "Possibly Damaging"; Align-GVGD: "Class C0"). In summary, the available evidence is currently insufficient to determine the role of this variant in disease. Therefore, it has been classified as a Variant of Uncertain Significance. This sequence change replaces alanine, which is neutral and non-polar, with serine, which is neutral and polar, at codon 398 of the DOCK6 protein (p.Ala398Ser). This variant is not present in population databases (gnomAD no frequency). This variant has not been reported in the literature in individuals affected with DOCK6-related conditions.

NM_020812.4(DOCK6):c.1192G>T (p.Ala398Ser)

Gene: DOCK6 (dedicator of cytokinesis 6; minus strand). Cytogenetic location: 19p13.2.
Variant type: single nucleotide variant.
Coding change: c.1192G>T on transcript NM_020812.4 (MANE Select); coding-DNA position 1192, G replaced by T.
Protein change: p.Ala398Ser; replaces alanine 398 with serine.
Molecular consequence: missense variant.
Genome position (GRCh38, 1-based): chr19:11,243,623, C>A on the plus strand (G>T on the coding strand, the complement: DOCK6 is on the minus strand). VCF-style: chr19-11243623-C-A. GRCh37 (hg19) VCF-style: chr19-11354299-C-A.
Other names: c.1192G>T, p.Ala398Ser (NM_001367830.1); short protein forms A398S.
Identifiers: ClinVar variation 1717059 (VCV001717059.5), dbSNP rs1156434519, ClinGen allele CA404110334.